The following is an entry in ClinVar:

ClinVar aggregate classification (germline): Pathogenic (1 of 4 stars; one submission).

Submission:

Labcorp Genetics (formerly Invitae), Labcorp
Classification: Pathogenic. Last evaluated: 2022-02-25. Review status: criteria provided, single submitter. Criteria: Invitae Variant Classification Sherloc (09022015). Collection method: clinical testing. Allele origin: germline.
Comment: For these reasons, this variant has been classified as Pathogenic. This variant has not been reported in the literature in individuals affected with CCBE1-related conditions. This variant is not present in population databases (gnomAD no frequency). This sequence change creates a premature translational stop signal (p.His296Profs*3) in the CCBE1 gene. It is expected to result in an absent or disrupted protein product. Loss-of-function variants in CCBE1 are known to be pathogenic (PMID: 19935664, 21778431, 26686525).

Literature cited by the submitters: PubMed 19935664; PubMed 21778431; PubMed 26686525.

NM_133459.4(CCBE1):c.886dup (p.His296fs)

Gene: CCBE1 (collagen and calcium binding EGF domains 1; minus strand). Cytogenetic location: 18q21.32.
Variant type: Duplication.
Coding change: c.886dup on transcript NM_133459.4 (MANE Select); coding-DNA position 886, one base duplicated (C; older notation c.886dupC).
Protein change: p.His296fs; shifts the reading frame from histidine 296.
Molecular consequence: frameshift variant.
Genome position (GRCh38, 1-based): chr18:59,439,706, G duplicated on the plus strand (C on the coding strand, the reverse complement: CCBE1 is on the minus strand); the first of 3 consecutive G bases (chr18:59,439,706-59,439,708); duplicating any one gives the same sequence. VCF-style (leftmost placement, unchanged base first): chr18-59439705-T-TG. GRCh37 (hg19) VCF-style: chr18-57106937-T-TG.
Other names: short protein forms H296fs.
Identifiers: ClinVar variation 2103625 (VCV002103625.4), dbSNP rs2511547533, ClinGen allele CA2580095968.
Genomic context (GRCh38, chr18:59,439,705, plus strand): 5'-AAAAGGAAGTGGATCTCTGATAAGATACTGACCACAGGGCCCCTCCGGCCTTGCTTAATG[T>TG]GGGACAGATCAGGAGATGGTCCCATGGGTCCCATTGAGCCCCGTGGGCCGGGCTGCCCAG-3'